The following is an entry in ClinVar:

ClinVar aggregate classification (germline): Uncertain significance (1 of 4 stars; one submission).

Conditions:
Hereditary cancer-predisposing syndrome. Also called: Neoplastic Syndromes, Hereditary; Tumor predisposition; Hereditary neoplastic syndrome; Hereditary Cancer Syndrome. Identifiers: Orphanet 140162, MedGen C0027672, MeSH D009386, MONDO:0015356.

Submission:

Ambry Genetics
Classification: Uncertain significance for Hereditary cancer-predisposing syndrome. Last evaluated: 2024-06-07. Review status: criteria provided, single submitter. Criteria: Ambry Variant Classification Scheme 2023. Collection method: clinical testing. Allele origin: germline.
Comment: The p.E981* variant (also known as c.2941G>T), located in coding exon 20 of the TSC1 gene, results from a G to T substitution at nucleotide position 2941. This changes the amino acid from a glutamic acid to a stop codon within coding exon 20. This alteration occurs at the 3' terminus of theTSC1 gene, is not expected to trigger nonsense-mediated mRNAdecay, and only impacts the last 184 amino acids of the protein. The exact functional effect of this alteration is unknown. Based on the available evidence, the clinical significance of this variant remains unclear.

NM_000368.5(TSC1):c.2941G>T (p.Glu981Ter)

Gene: TSC1 (TSC complex subunit 1; minus strand). Cytogenetic location: 9q34.13.
Variant type: single nucleotide variant.
Coding change: c.2941G>T on transcript NM_000368.5 (MANE Select); coding-DNA position 2941, G replaced by T.
Protein change: p.Glu981Ter; replaces glutamic acid 981 with a stop codon.
Molecular consequence: nonsense. On other transcripts: non-coding transcript variant (5).
Genome position (GRCh38, 1-based): chr9:132,897,218, C>A on the plus strand (G>T on the coding strand, the complement: TSC1 is on the minus strand). VCF-style: chr9-132897218-C-A. GRCh37 (hg19) VCF-style: chr9-135772605-C-A.
Other names: c.2938G>T, p.Glu980Ter (NM_001162426.2, NM_001406597.1, NM_001406598.1 and 2 more transcripts); c.2788G>T, p.Glu930Ter (NM_001162427.2, NM_001406610.1); c.2578G>T, p.Glu860Ter (NM_001362177.2, NM_001406615.1, NM_001406616.1 and 4 more transcripts); c.2941G>T, p.Glu981Ter (NM_001406592.1, NM_001406593.1, NM_001406594.1 and 2 more transcripts); c.2926G>T, p.Glu976Ter (NM_001406601.1, NM_001406602.1); c.2923G>T, p.Glu975Ter (NM_001406603.1, NM_001406604.1); c.2575G>T, p.Glu859Ter (NM_001406620.1, NM_001406621.1, NM_001406622.1 and 1 more transcripts); c.2899G>T, p.Glu967Ter (NM_001406605.1, NM_001406606.1, NM_001406607.1); and 8 more; short protein forms E664*, E845*, E860*, E930*, E981*, E663*, E846*, E929*.
Identifiers: ClinVar variation 3329441 (VCV003329441.1).